The following is an entry in ClinVar:

NM_017649.5(CNNM2):c.52_55dup (p.Ala19fs)

Gene: CNNM2 (cyclin and CBS domain divalent metal cation transport mediator 2; plus strand). Cytogenetic location: 10q24.32.
Variant type: Microsatellite.
Coding change: c.52_55dup on transcript NM_017649.5 (MANE Select); coding-DNA positions 52 to 55, 4 bases duplicated (GCAG; older notation c.52_55dupGCAG).
Protein change: p.Ala19fs; shifts the reading frame from alanine 19.
Molecular consequence: frameshift variant.
Genome position (GRCh38, 1-based): chr10:102,918,532-102,918,535, GCAG duplicated; duplicating any 4 consecutive bases within chr10:102,918,527-102,918,535 gives the same sequence; the c. name uses the placement nearest the transcript's 3' end. VCF-style (leftmost placement, unchanged base first): chr10-102918526-G-GGGCA. GRCh37 (hg19) VCF-style: chr10-104678283-G-GGGCA.
Other names: c.52_55dup, p.Ala19fs (NM_199076.3, NM_199077.3); short protein forms A19fs.
Identifiers: ClinVar variation 4074742 (VCV004074742.1).

ClinVar aggregate classification (germline): Likely pathogenic (1 of 4 stars; one submission).

Conditions:
Hypomagnesemia, seizures, and impaired intellectual development 1. Also called: Hypomagnesemia, seizures, and intellectual disability 1. Identifiers: Orphanet 34527, MedGen C4225333, MONDO:0020787, OMIM 616418.
Renal hypomagnesemia 6. Identifiers: Orphanet 34527, MedGen C3151295, MONDO:0013480, OMIM 613882.

Submission:

Institute of Immunology and Genetics Kaiserslautern
Classification: Likely pathogenic for Renal hypomagnesemia 6; Hypomagnesemia, seizures, and impaired intellectual development 1. Last evaluated: 2025-06-18. Review status: criteria provided, single submitter. Criteria: ACMG Guidelines, 2015. Collection method: clinical testing. Allele origin: germline. Affected: no.
Comment: ACMG Criteria: PVS1, PM2; Variant was found in heterozygous state.